The following is an entry in ClinVar:

NM_018429.3(BDP1):c.29A>G (p.Lys10Arg)

Gene: BDP1 (BDP1 general transcription factor IIIB subunit; plus strand). Cytogenetic location: 5q13.2.
Variant type: single nucleotide variant.
Coding change: c.29A>G on transcript NM_018429.3 (MANE Select); coding-DNA position 29, A replaced by G.
Protein change: p.Lys10Arg; replaces lysine 10 with arginine.
Molecular consequence: missense variant.
Genome position (GRCh38, 1-based): chr5:71,455,906, A>G. VCF-style: chr5-71455906-A-G. GRCh37 (hg19) VCF-style: chr5-70751733-A-G.
Other names: p.Lys10Arg; short protein forms K10R.
Identifiers: ClinVar variation 2682886 (VCV002682886.1), dbSNP rs759077600, ClinGen allele CA3295566.
Genomic context (GRCh38, chr5:71,455,906, plus strand): 5'-GAGGCTGCCTCCCCGGGCCCCCTGCCTCCGCCATGTTCCGCAGGGCACGCCTTAGCGTGA[A>G]GCCGAATGTCAGGCCTGGTGTAGGCGCCAGGGGCTCCACAGCTTCCAATCCCCAGCGTGG-3'
Protein context (NP_060899.2, residues 1-20): MFRRARLSV[Lys10Arg]PNVRPGVGAR

ClinVar aggregate classification (germline): Uncertain significance (1 of 4 stars; one submission).

Allele frequency attached by ClinVar (database versions not stated): gnomAD exomes 0.00003; gnomAD 0.00007; TOPMed 0.00007; ExAC 0.00009.
gnomAD v4.1: 54 of 1,604,516 alleles (0.0034%); highest among the groups gnomAD compares: African/African-American, 0.016%; no homozygotes.

Submission:

Mayo Clinic Laboratories, Mayo Clinic
Classification: Uncertain significance. Last evaluated: 2022-08-16. Review status: criteria provided, single submitter. Criteria: ACMG Guidelines, 2015. Collection method: clinical testing. Allele origin: germline. Observed: 1 variant allele.
Comment: BP4, PM2